The following is an entry in ClinVar:

ClinVar aggregate classification (germline): Uncertain significance (1 of 4 stars; one submission).

Conditions:
Arginine:glycine amidinotransferase deficiency (CCDS3). Also called: AGAT deficiency; Creatine deficiency syndrome due to AGAT deficiency; GATM deficiency; L-Arginine:Glycine Amidinotransferase (AGAT) Deficiency; Cerebral creatine deficiency syndrome 3; L-Arginine:Glycine Amidinotransferase Deficiency. Identifiers: Orphanet 35704, MedGen C2675179, MONDO:0012996, OMIM 612718.

Allele frequency attached by ClinVar (database versions not stated): gnomAD exomes below 0.00001.
gnomAD v4.1: 1 of 1,614,212 alleles (0.000062%); highest among the groups gnomAD compares: Non-Finnish European, 0.000085%; no homozygotes.

Submission:

Labcorp Genetics (formerly Invitae), Labcorp
Classification: Uncertain significance for Arginine:glycine amidinotransferase deficiency. Last evaluated: 2024-07-10. Review status: criteria provided, single submitter. Criteria: Invitae Variant Classification Sherloc (09022015). Collection method: clinical testing. Allele origin: germline.
Comment: This sequence change replaces lysine, which is basic and polar, with arginine, which is basic and polar, at codon 117 of the GATM protein (p.Lys117Arg). This variant is present in population databases (no rsID available, gnomAD 0.0009%). This variant has not been reported in the literature in individuals affected with GATM-related conditions. ClinVar contains an entry for this variant (Variation ID: 843867). Advanced modeling of protein sequence and biophysical properties (such as structural, functional, and spatial information, amino acid conservation, physicochemical variation, residue mobility, and thermodynamic stability) performed at Invitae indicates that this missense variant is not expected to disrupt GATM protein function with a negative predictive value of 80%. In summary, the available evidence is currently insufficient to determine the role of this variant in disease. Therefore, it has been classified as a Variant of Uncertain Significance.

NM_001482.3(GATM):c.350A>G (p.Lys117Arg)

Gene: GATM (glycine amidinotransferase; minus strand). Cytogenetic location: 15q21.1.
Variant type: single nucleotide variant.
Coding change: c.350A>G on transcript NM_001482.3 (MANE Select); coding-DNA position 350, A replaced by G.
Protein change: p.Lys117Arg; replaces lysine 117 with arginine.
Molecular consequence: missense variant. On other transcripts: 5 prime UTR variant (1).
Genome position (GRCh38, 1-based): chr15:45,369,460, T>C on the plus strand (A>G on the coding strand, the complement: GATM is on the minus strand). VCF-style: chr15-45369460-T-C. GRCh37 (hg19) VCF-style: chr15-45661658-T-C.
Other names: c.-38A>G (NM_001321015.2); short protein forms K117R.
Identifiers: ClinVar variation 843867 (VCV000843867.4), dbSNP rs1472551759, ClinGen allele CA392261994.